The following is an entry in ClinVar:

NM_000455.5(STK11):c.96C>G (p.Thr32=)

Gene: STK11 (serine/threonine kinase 11; plus strand). Cytogenetic location: 19p13.3.
Variant type: single nucleotide variant.
Coding change: c.96C>G on transcript NM_000455.5 (MANE Select); coding-DNA position 96, C replaced by G.
Protein change: p.Thr32=; no amino-acid change (threonine 32 retained).
Molecular consequence: synonymous variant.
Genome position (GRCh38, 1-based): chr19:1,207,009, C>G. VCF-style: chr19-1207009-C-G. GRCh37 (hg19) VCF-style: chr19-1207008-C-G.
Other names: p.T32T:ACC>ACG.
Identifiers: ClinVar variation 135930 (VCV000135930.56), dbSNP rs79175212, ClinGen allele CA023379.

ClinVar aggregate classification (germline): Benign/Likely benign. Review status: criteria provided, multiple submitters, no conflicts (2 of 4 stars). 13 submissions from 13 submitters: Benign (8); Likely benign (3). 2 of the submissions do not count toward it. Last evaluated 2026-02-01.

Conditions:
Hereditary cancer-predisposing syndrome. Also called: Tumor predisposition; Hereditary neoplastic syndrome; Hereditary Cancer Syndrome; Neoplastic Syndromes, Hereditary. Identifiers: Orphanet 140162, MedGen C0027672, MeSH D009386, MONDO:0015356.
Peutz-Jeghers syndrome (PJS). Also called: Peutz-Jeghers polyposis; Periorificial lentiginosis syndrome; POLYPOSIS, HAMARTOMATOUS INTESTINAL; POLYPS-AND-SPOTS SYNDROME. Identifiers: Orphanet 2869, MedGen C0031269, MeSH D010580, MONDO:0008280, OMIM 175200.
Malignant tumor of breast. Also called: Cancer breast; Malignant breast neoplasm. Identifiers: MedGen C0006142, MONDO:0007254. Disease mechanism: loss of function.

Allele frequency attached by ClinVar (database versions not stated): TOPMed 0.00010; ExAC 0.00039; 1000 Genomes Project 30x 0.00078; 1000 Genomes Project 0.00100.
gnomAD v4.1: 364 of 1,613,658 alleles (0.023%); highest among the groups gnomAD compares: East Asian, 0.75%; 2 homozygotes.

Submissions (13):

Labcorp Genetics (formerly Invitae), Labcorp
Classification: Benign for Peutz-Jeghers syndrome. Last evaluated: 2026-02-01. Review status: criteria provided, single submitter. Criteria: Invitae Variant Classification Sherloc (09022015). Collection method: clinical testing. Allele origin: germline.

CeGaT Center for Human Genetics Tuebingen
Classification: Likely benign. Last evaluated: 2023-12-01. Review status: criteria provided, single submitter. Criteria: CeGaT Center For Human Genetics Tuebingen Variant Classification Criteria Version 2. Collection method: clinical testing. Allele origin: germline. Affected: yes. Observed: 2 variant alleles.
Comment: STK11: BP4, BP7, BS1

Myriad Genetics, Inc.
Classification: Benign for Peutz-Jeghers syndrome. Last evaluated: 2023-04-14. Review status: criteria provided, single submitter. Criteria: Myriad Autosomal Dominant, Autosomal Recessive and X-Linked Classification Criteria (2023). Collection method: clinical testing. Allele origin: unknown.
Comment: This variant is considered benign. This variant is a silent/synonymous amino acid change and it is not expected to impact splicing.

Genome-Nilou Lab
Classification: Likely benign for Peutz-Jeghers syndrome. Last evaluated: 2021-07-15. Review status: criteria provided, single submitter. Criteria: ACMG Guidelines, 2015. Collection method: clinical testing. Allele origin: germline. Affected: no.

Quest Diagnostics Nichols Institute San Juan Capistrano
Classification: Benign. Last evaluated: 2021-05-19. Review status: criteria provided, single submitter. Criteria: Quest Diagnostics criteria. Collection method: clinical testing. Allele origin: unknown.

Sema4
Classification: Benign for Hereditary cancer-predisposing syndrome. Last evaluated: 2021-03-22. Review status: criteria provided, single submitter. Criteria: Sema4 Curation Guidelines. Collection method: curation. Allele origin: germline.

Women's Health and Genetics/Laboratory Corporation of America, LabCorp
Classification: Benign. Last evaluated: 2018-03-28. Review status: criteria provided, single submitter. Criteria: LabCorp Variant Classification Summary - May 2015. Collection method: clinical testing. Allele origin: germline.
Comment: Variant summary: STK11 c.96C>G alters a non-conserved nucleotide resulting in a synonymous change. 5/5 computational tools predict no significant impact on normal splicing. However, these predictions have yet to be confirmed by functional studies. The variant was observed with an allele frequency of 0.00028 in 275788 control chromosomes (gnomAD). The observed variant frequency within East Asian control individuals in the gnomAD database is approximately 624-folds higher than the estimated maximal expected allele frequency for a pathogenic variant in STK11 causing Peutz-Jeghers Syndrome phenotype (6.3e-06), strongly suggesting that the variant is a benign polymorphism found primarily in population(s) of East Asian origin. The variant, c.96C>G, has been reported in the literature in individuals affected with mucinous MDA, breast cancer, and small-intestinal cancer (Kuragaki_2003, Lee_2017, Nakagawa_1999). Nakagawa_1999 indicates that the variant was only present in the tumor sample and not germline. To our knowledge, no experimental evidence demonstrating an impact on protein function has been reported. Multiple ClinVar submissions from clinical diagnostic laboratories (evaluation after 2014) cites the variant as "likely benign/benign." Based on the evidence outlined above, the variant was classified as benign.

Illumina Laboratory Services, Illumina
Classification: Benign for Peutz-Jeghers syndrome. Last evaluated: 2018-01-13. Review status: criteria provided, single submitter. Criteria: ICSL Variant Classification Criteria 13 December 2019. Collection method: clinical testing. Allele origin: germline.
Comment: This variant was observed in the ICSL laboratory as part of a predisposition screen in an ostensibly healthy population. It had not been previously curated by ICSL or reported in the Human Gene Mutation Database (HGMD: prior to June 1st, 2018), and was therefore a candidate for classification through an automated scoring system. Utilizing variant allele frequency, disease prevalence and penetrance estimates, and inheritance mode, an automated score was calculated to assess if this variant is too frequent to cause the disease. Based on the score and internal cut-off values, a variant classified as benign is not then subjected to further curation. The score for this variant resulted in a classification of benign for this disease.

Color Diagnostics, LLC DBA Color Health
Classification: Benign for Hereditary cancer-predisposing syndrome. Last evaluated: 2016-05-02. Review status: criteria provided, single submitter. Criteria: ACMG Guidelines, 2015. Collection method: clinical testing. Allele origin: germline.

Ambry Genetics
Classification: Likely benign for Hereditary cancer-predisposing syndrome. Last evaluated: 2015-03-15. Review status: criteria provided, single submitter. Criteria: Ambry Variant Classification Scheme 2023. Collection method: clinical testing. Allele origin: germline.

GeneDx
Classification: Benign. Last evaluated: 2014-09-08. Review status: criteria provided, single submitter. Criteria: GeneDx Variant Classification (06012015). Collection method: clinical testing. Allele origin: germline. Affected: yes.
Comment: This variant is considered likely benign or benign based on one or more of the following criteria: it is a conservative change, it occurs at a poorly conserved position in the protein, it is predicted to be benign by multiple in silico algorithms, and/or has population frequency not consistent with disease.

Counsyl
Classification: Likely benign for Peutz-Jeghers syndrome. Last evaluated: 2015-11-23. Review status: no assertion criteria provided. Collection method: clinical testing. Allele origin: unknown. Not counted in ClinVar's aggregate classification.

Department of Pathology and Laboratory Medicine, Sinai Health System
Classification: Likely benign for Malignant tumor of breast. Review status: no assertion criteria provided. Collection method: clinical testing. Allele origin: unknown. Affected: yes. Study: The Canadian Open Genetics Repository (COGR). Not counted in ClinVar's aggregate classification.
Comment: The STK11 p.Thr32= variant was identified in the literature as a somatic variant in adenocarcinoma of the small intestine or uterine cervix in 2 Japanese patients (Nakagawa_1999_10429655, Kuragaki_2003_12533684). The variant was also identified in dbSNP (ID: rs79175212) as â€šÃ„ÃºWith other alleleâ€šÃ„Ã¹, ClinVar and Clinvitae (3x classified as benign by Invitae, GeneDx, Quest Diagnostics; 2x classified as likely benign by Ambry Genetics, Counsyl), COSMIC (2x confirmed somatic in the cases cited above), and the Zhejiang Colon Cancer Database (1x classified as probably no pathogenicity). The variant was not identified in MutDB, LOVD 3.0, or the Insight Hereditary Tumors Database. The variant was identified in control databases in 78 of 275788 chromosomes at a frequency of 0.0003 (Genome Aggregation Database Feb 27, 2017). It was observed in the following populations: African in 1 of 23862 chromosomes (freq: 0.00004), â€šÃ„ÃºOtherâ€šÃ„Ã¹ in 1 of 6412 chromosomes (freq: 0.0002), Latino in 1 of 34378 chromosomes (freq: 0.00003), European Non-Finnish in 1 of 125910 chromosomes (freq: 0.000008), East Asian in 74 of 18852 chromosomes (freq: 0.004); it was not observed in the Ashkenazi Jewish, European Finnish, and South Asian populations. The p.Thr32= variant is not expected to have clinical significance because it does not result in a change of amino acid and is not located in a known consensus splice site. In addition, in silico or computational prediction software programs (SpliceSiteFinder, MaxEntScan, NNSPLICE, GeneSplicer, HumanSpliceFinder) do not predict a difference in splicing. In summary, based on the above information the clinical significance of this variant cannot be determined with certainty at this time although we would lean towards a more benign role for this variant. This variant is classified as likely benign.

Literature cited by the submitters: PubMed 10429655 (cited by 3 submitters); PubMed 28521409 (cited by Quest Diagnostics Nichols Institute San Juan Capistrano and Women's Health and Genetics/Laboratory Corporation of America, LabCorp); PubMed 12533684 (cited by Quest Diagnostics Nichols Institute San Juan Capistrano and Women's Health and Genetics/Laboratory Corporation of America, LabCorp).